The following is an entry in ClinVar:

NM_020843.4(SCAPER):c.2955-7C>G

Gene: SCAPER (S-phase cyclin A associated protein in the ER; minus strand). Cytogenetic location: 15q24.3.
Variant type: single nucleotide variant.
Coding change: c.2955-7C>G on transcript NM_020843.4 (MANE Select); 7 bases into the intron before coding-DNA position 2955, C replaced by G.
Molecular consequence: intron variant.
Genome position (GRCh38, 1-based): chr15:76,471,342, G>C on the plus strand (C>G on the coding strand, the complement: SCAPER is on the minus strand). VCF-style: chr15-76471342-G-C. GRCh37 (hg19) VCF-style: chr15-76763683-G-C.
Other names: c.2571-7C>G (NM_001353011.2); c.2553-7C>G (NM_001353012.2, NM_001353010.2); c.2973-7C>G (NM_001353009.2); c.2217-7C>G (NM_001145923.2).
Identifiers: ClinVar variation 5001263 (VCV005001263.1).

ClinVar aggregate classification (germline): Likely benign (1 of 4 stars; one submission).

Conditions:
SCAPER-related disorder. Also called: SCAPER-related condition.

Submission:

PreventionGenetics, part of Exact Sciences
Classification: Likely benign for SCAPER-related condition. Last evaluated: 2024-11-13. Review status: criteria provided, single submitter. Criteria: ACMG Guidelines, 2015. Collection method: clinical testing. Allele origin: germline.
Comment: This variant is classified as likely benign based on ACMG/AMP sequence variant interpretation guidelines (Richards et al. 2015 PMID: 25741868, with internal and published modifications).